The following is an entry in ClinVar:

NM_006514.4(SCN10A):c.4866T>C (p.Ser1622=)

Gene: SCN10A (sodium voltage-gated channel alpha subunit 10; minus strand). Cytogenetic location: 3p22.2.
Variant type: single nucleotide variant.
Coding change: c.4866T>C on transcript NM_006514.4 (MANE Select); coding-DNA position 4866, T replaced by C.
Protein change: p.Ser1622=; no amino-acid change (serine 1622 retained).
Molecular consequence: synonymous variant.
Genome position (GRCh38, 1-based): chr3:38,698,354, A>G on the plus strand (T>C on the coding strand, the complement: SCN10A is on the minus strand). VCF-style: chr3-38698354-A-G. GRCh37 (hg19) VCF-style: chr3-38739845-A-G.
Other names: p.Ser1622=; c.4863T>C, p.Ser1621= (NM_001293306.2); c.4572T>C, p.Ser1524= (NM_001293307.2).
Identifiers: ClinVar variation 95404 (VCV000095404.27), dbSNP rs6599242, ClinGen allele CA2319793.

ClinVar aggregate classification (germline): Benign. Review status: criteria provided, multiple submitters, no conflicts (2 of 4 stars). 13 submissions from 13 submitters: Benign (11). 2 of the submissions do not count toward it. Last evaluated 2026-02-04.

Conditions:
Episodic pain syndrome, familial, 2 (FEPS2). Identifiers: Orphanet 306577, MedGen C3809893, MONDO:0014246, OMIM 615551.
Cardiovascular phenotype. Identifiers: MedGen CN230736.
Brugada syndrome. Also called: Sudden Unexplained Death Syndrome; Sudden Unexplained Nocturnal Death Syndrome (SUNDS); Sudden unexpected nocturnal death syndrome; Sudden unexplained nocturnal death syndrome. Identifiers: Orphanet 130, MedGen C1142166, MONDO:0015263.

Allele frequency attached by ClinVar (database versions not stated): gnomAD exomes 0.91303 and 0.91999; ExAC 0.91991; 1000 Genomes Project 0.92472; 1000 Genomes Project 30x 0.92614; ESP Exome Variant Server 0.93049; gnomAD 0.93109 and 0.93283; TOPMed 0.93224.
gnomAD v4.1: 1,476,513 of 1,614,070 alleles (91%); highest among the groups gnomAD compares: East Asian, 96%; 675,773 homozygotes.

Submissions (13):

Labcorp Genetics (formerly Invitae), Labcorp
Classification: Benign for Brugada syndrome. Last evaluated: 2026-02-04. Review status: criteria provided, single submitter. Criteria: Invitae Variant Classification Sherloc (09022015). Collection method: clinical testing. Allele origin: germline.

Blueprint Genetics
Classification: Benign. Last evaluated: 2024-11-26. Review status: criteria provided, single submitter. Criteria: ACMG Guidelines, 2015. Collection method: clinical testing. Allele origin: germline.

Women's Health and Genetics/Laboratory Corporation of America, LabCorp
Classification: Benign. Last evaluated: 2023-04-04. Review status: criteria provided, single submitter. Criteria: LabCorp Variant Classification Summary - May 2015. Collection method: clinical testing. Allele origin: germline.

Genome-Nilou Lab
Classification: Benign for Episodic pain syndrome, familial, 2. Last evaluated: 2021-07-15. Review status: criteria provided, single submitter. Criteria: ACMG Guidelines, 2015. Collection method: clinical testing. Allele origin: germline. Affected: no.

Ambry Genetics
Classification: Benign for Cardiovascular phenotype. Last evaluated: 2018-12-03. Review status: criteria provided, single submitter. Criteria: Ambry Variant Classification Scheme 2023. Collection method: clinical testing. Allele origin: germline.

Mayo Clinic Laboratories, Mayo Clinic
Classification: Benign. Last evaluated: 2017-07-19. Review status: criteria provided, single submitter. Criteria: ACMG Guidelines, 2015. Collection method: clinical testing. Allele origin: germline. Observed: 1,427 variant alleles.

GeneDx
Classification: Benign. Last evaluated: 2016-09-06. Review status: criteria provided, single submitter. Criteria: GeneDx Variant Classification (06012015). Collection method: clinical testing. Allele origin: germline. Affected: yes.
Comment: This variant is considered likely benign or benign based on one or more of the following criteria: it is a conservative change, it occurs at a poorly conserved position in the protein, it is predicted to be benign by multiple in silico algorithms, and/or has population frequency not consistent with disease.

Molecular Diagnostic Laboratory for Inherited Cardiovascular Disease, Montreal Heart Institute
Classification: Benign. Last evaluated: 2016-06-10. Review status: criteria provided, single submitter. Criteria: ACMG Guidelines, 2015. Collection method: clinical testing. Allele origin: germline. Affected: yes.

Eurofins Ntd Llc (ga)
Classification: Benign. Last evaluated: 2013-07-05. Review status: criteria provided, single submitter. Criteria: EGL Classification Definitions 2015. Collection method: clinical testing. Allele origin: germline. Observed: 1 variant allele, 1 homozygote.

Breakthrough Genomics
Classification: Benign. Review status: criteria provided, single submitter. Criteria: ACMG Guidelines, 2015. Collection method: not provided. Allele origin: germline. Inheritance: Autosomal dominant inheritance. Affected: yes.

PreventionGenetics, part of Exact Sciences
Classification: Benign. Review status: criteria provided, single submitter. Criteria: ACMG Guidelines, 2015. Collection method: clinical testing. Allele origin: germline.

Clinical Genetics, Academic Medical Center
Classification: Benign. Review status: no assertion criteria provided. Collection method: clinical testing. Allele origin: germline. Affected: yes. Study: VKGL Data-share Consensus. Not counted in ClinVar's aggregate classification.

Joint Genome Diagnostic Labs from Nijmegen and Maastricht, Radboudumc and MUMC+
Classification: Benign. Review status: no assertion criteria provided. Collection method: clinical testing. Allele origin: germline. Affected: yes. Study: VKGL Data-share Consensus. Not counted in ClinVar's aggregate classification.